The following is an entry in ClinVar:

ClinVar aggregate classification (germline): Benign. Review status: criteria provided, multiple submitters, no conflicts (2 of 4 stars). 8 submissions from 8 submitters: Benign (8). Last evaluated 2026-01-28.

Conditions:
History of neurodevelopmental disorder. Identifiers: MedGen C2711754.
Epilepsy, X-linked 1, with variable learning disabilities and behavior disorders. Also called: X-linked epilepsy-learning disabilities-behavior disorders syndrome. Identifiers: Orphanet 85294, MedGen C5774177, MONDO:0010339, OMIM 300491.

Allele frequency attached by ClinVar (database versions not stated): gnomAD exomes 0.00117 and 0.00260; ExAC 0.00599; ESP Exome Variant Server 0.00601; 1000 Genomes Project 30x 0.01228; gnomAD 0.01236 and 0.01317; 1000 Genomes Project 0.01325; TOPMed 0.01376.
gnomAD v4.1: 2,641 of 1,165,532 alleles (0.23%); highest among the groups gnomAD compares: African/African-American, 4.3%; 42 homozygotes.

Submissions (8):

Labcorp Genetics (formerly Invitae), Labcorp
Classification: Benign for Epilepsy, X-linked 1, with variable learning disabilities and behavior disorders. Last evaluated: 2026-01-28. Review status: criteria provided, single submitter. Criteria: Invitae Variant Classification Sherloc (09022015). Collection method: clinical testing. Allele origin: germline.

Mendelics
Classification: Benign for Epilepsy, X-linked 1, with variable learning disabilities and behavior disorders. Last evaluated: 2019-05-28. Review status: criteria provided, single submitter. Criteria: Mendelics Assertion Criteria 2017. Collection method: clinical testing. Allele origin: unknown.

GeneDx
Classification: Benign. Last evaluated: 2018-11-09. Review status: criteria provided, single submitter. Criteria: GeneDx Variant Classification Process June 2021. Collection method: clinical testing. Allele origin: germline. Affected: yes.
Comment: This variant is associated with the following publications: (PMID: 23871722, 21441247, 27884173)

Athena Diagnostics
Classification: Benign. Last evaluated: 2018-04-16. Review status: criteria provided, single submitter. Criteria: Athena Diagnostics Criteria. Collection method: clinical testing. Allele origin: germline.

Center for Pediatric Genomic Medicine, Children's Mercy Hospital and Clinics
Classification: Benign. Last evaluated: 2017-06-15. Review status: criteria provided, single submitter. Criteria: ACMG Guidelines, 2015. Collection method: clinical testing. Allele origin: germline.

Eurofins Ntd Llc (ga)
Classification: Benign. Last evaluated: 2016-07-19. Review status: criteria provided, single submitter. Criteria: EGL Classification Definitions 2015. Collection method: clinical testing. Allele origin: germline. Observed: 3 variant alleles, 1 heterozygote, 1 hemizygote.

Ambry Genetics
Classification: Benign for History of neurodevelopmental disorder. Last evaluated: 2016-01-08. Review status: criteria provided, single submitter. Criteria: Ambry Autosomal Dominant and X-Linked criteria (10/2015). Collection method: clinical testing. Allele origin: germline. Observed: 1 variant allele.
Comment: General population or subpopulation frequency is too high to be a pathogenic mutation based on disease/syndrome prevalence and penetrance;In silico models in agreement (benign);In silico models in agreement (deleterious) and/or completely conserved position in appropriate species;Subpopulation frequency in support of benign classification

Breakthrough Genomics
Classification: Benign. Review status: criteria provided, single submitter. Criteria: ACMG Guidelines, 2015. Collection method: not provided. Allele origin: germline. Inheritance: X-linked inheritance. Affected: yes.

Literature cited by the submitters: PubMed 21441247 (cited by Athena Diagnostics and Ambry Genetics); PubMed 27884173 (cited by Athena Diagnostics); PubMed 23871722 (cited by Athena Diagnostics and Ambry Genetics).

NM_006950.3(SYN1):c.152C>G (p.Ala51Gly)

Gene: SYN1 (synapsin I; minus strand). Cytogenetic location: Xp11.23.
Variant type: single nucleotide variant.
Coding change: c.152C>G on transcript NM_006950.3 (MANE Select); coding-DNA position 152, C replaced by G.
Protein change: p.Ala51Gly; replaces alanine 51 with glycine.
Molecular consequence: missense variant.
Genome position (GRCh38, 1-based): chrX:47,619,577, G>C on the plus strand (C>G on the coding strand, the complement: SYN1 is on the minus strand). VCF-style: chrX-47619577-G-C. GRCh37 (hg19) VCF-style: chrX-47478976-G-C.
Other names: p.A51G:GCC>GGC; c.152C>G, p.Ala51Gly (NM_133499.2); short protein forms A51G.
Identifiers: ClinVar variation 139384 (VCV000139384.21), dbSNP rs187134574, ClinGen allele CA293847.
Genomic context (GRCh38, chrX:47,619,577, plus strand): 5'-GAGGACCCGGGGCTAGGGGCGGCCGGAGAGGCCGCTGGGGCGACCCCGGAGGACCTCTCG[G>C]CAGTGGCGGTCCCGGGACCGGGCGTGGCTCCGGGGCTGTGGGCACCGGGCGGCGGTGGGG-3'
Protein context (NP_008881.2, residues 41-61): GATPGPGTAT[Ala51Gly]ERSSGVAPAA